The following is an entry in ClinVar:

NM_016929.5(CLIC5):c.342G>A (p.Ala114=)

Gene: CLIC5 (CLIC family member 5; minus strand). Cytogenetic location: 6p21.1.
Variant type: single nucleotide variant.
Coding change: c.342G>A on transcript NM_016929.5 (MANE Select); coding-DNA position 342, G replaced by A.
Protein change: p.Ala114=; no amino-acid change (alanine 114 retained).
Molecular consequence: synonymous variant.
Genome position (GRCh38, 1-based): chr6:45,941,611, C>T on the plus strand (G>A on the coding strand, the complement: CLIC5 is on the minus strand). VCF-style: chr6-45941611-C-T. GRCh37 (hg19) VCF-style: chr6-45909348-C-T.
Other names: c.819G>A, p.Ala273= (NM_001114086.2, NM_001370650.1); c.342G>A, p.Ala114= (NM_001256023.2); c.225G>A, p.Ala75= (NM_001370649.1).
Identifiers: ClinVar variation 930117 (VCV000930117.35), dbSNP rs149700111, ClinGen allele CA3836817.

ClinVar aggregate classification (germline): Likely benign. Review status: criteria provided, multiple submitters, no conflicts (2 of 4 stars). 4 submissions from 4 submitters: Likely benign (4). Last evaluated 2024-05-23.

Allele frequency attached by ClinVar (database versions not stated): gnomAD 0.00005 and 0.00006; TOPMed 0.00007; ESP Exome Variant Server 0.00023.
gnomAD v4.1: 125 of 1,613,738 alleles (0.0077%); highest among the groups gnomAD compares: Non-Finnish European, 0.0092%; no homozygotes.

Submissions (4):

Labcorp Genetics (formerly Invitae), Labcorp
Classification: Likely benign. Last evaluated: 2024-05-23. Review status: criteria provided, single submitter. Criteria: Invitae Variant Classification Sherloc (09022015). Collection method: clinical testing. Allele origin: germline.

Blueprint Genetics
Classification: Likely benign. Last evaluated: 2024-05-06. Review status: criteria provided, single submitter. Criteria: ACMG Guidelines, 2015. Collection method: clinical testing. Allele origin: germline.

CeGaT Center for Human Genetics Tuebingen
Classification: Likely benign. Last evaluated: 2022-11-01. Review status: criteria provided, single submitter. Criteria: CeGaT Center For Human Genetics Tuebingen Variant Classification Criteria Version 2. Collection method: clinical testing. Allele origin: germline. Affected: yes. Observed: 1 variant allele.
Comment: CLIC5: BP4, BP7

Laboratory for Molecular Medicine, Mass General Brigham Personalized Medicine
Classification: Likely benign. Last evaluated: 2017-08-23. Review status: criteria provided, single submitter. Criteria: LMM Criteria. Collection method: clinical testing. Allele origin: germline. Observed: 1 variant allele.
Comment: p.Ala273Ala in exon 4 of CLIC5: This variant is not expected to have clinical significance because it does not alter an amino acid residue and is not located within the splice consensus sequence. It has been identified in 3/66738 European chromosomes by the Exome Aggregation Consortium (ExAC; dbSNP rs149700111).